The following is an entry in ClinVar:

NM_004336.5(BUB1):c.2249T>G (p.Leu750Arg)

Gene: BUB1 (BUB1 mitotic checkpoint serine/threonine kinase; minus strand). Cytogenetic location: 2q13.
Variant type: single nucleotide variant.
Coding change: c.2249T>G on transcript NM_004336.5 (MANE Select); coding-DNA position 2249, T replaced by G.
Protein change: p.Leu750Arg; replaces leucine 750 with arginine.
Molecular consequence: missense variant.
Genome position (GRCh38, 1-based): chr2:110,649,332, A>C on the plus strand (T>G on the coding strand, the complement: BUB1 is on the minus strand). VCF-style: chr2-110649332-A-C. GRCh37 (hg19) VCF-style: chr2-111406909-A-C.
Other names: c.2189T>G, p.Leu730Arg (NM_001278616.2); c.2249T>G, p.Leu750Arg (NM_001278617.2); short protein forms L730R, L750R.
Identifiers: ClinVar variation 2451234 (VCV002451234.2), dbSNP rs2467987411, ClinGen allele CA348209564.

ClinVar aggregate classification (germline): Uncertain significance (1 of 4 stars; one submission).

Submission:

Ambry Genetics
Classification: Uncertain significance. Last evaluated: 2022-12-01. Review status: criteria provided, single submitter. Criteria: Ambry Variant Classification Scheme 2023. Collection method: clinical testing. Allele origin: germline.
Comment: The p.L750R variant (also known as c.2249T>G), located in coding exon 19 of the BUB1 gene, results from a T to G substitution at nucleotide position 2249. The leucine at codon 750 is replaced by arginine, an amino acid with dissimilar properties. This amino acid position is conserved. In addition, the in silico prediction for this alteration is inconclusive. Since supporting evidence is limited at this time, the clinical significance of this alteration remains unclear.